The following is an entry in ClinVar:

NM_001244008.2(KIF1A):c.774G>A (p.Thr258=)

Gene: KIF1A (kinesin family member 1A; minus strand). Cytogenetic location: 2q37.3.
Variant type: single nucleotide variant.
Coding change: c.774G>A on transcript NM_001244008.2 (MANE Select); coding-DNA position 774, G replaced by A.
Protein change: p.Thr258=; no amino-acid change (threonine 258 retained).
Molecular consequence: synonymous variant.
Genome position (GRCh38, 1-based): chr2:240,783,763, C>T on the plus strand (G>A on the coding strand, the complement: KIF1A is on the minus strand). VCF-style: chr2-240783763-C-T. GRCh37 (hg19) VCF-style: chr2-241723180-C-T.
Other names: c.774G>A (NM_001244008.1); c.774G>A, p.Thr258= (NM_001320705.2, NM_001330289.2, NM_001330290.2 and 20 more transcripts).
Identifiers: ClinVar variation 512416 (VCV000512416.39), dbSNP rs774916700, ClinGen allele CA2208666.
Genomic context (GRCh38, chr2:240,783,763, plus strand): 5'-TGGACACGGGTCCCCGCATGGCGGCCTGGCCCCTACCTTGAGGCGCGTGCCCTTGGCTCC[C>T]GTGGAGTCAGCCCGCTCGCTCCCAGCCAGGTCCACCAGGCTGATTTTGCTCACCTGAAAC-3'
Protein context (NP_001230937.1, residues 248-268): DLAGSERADS[Thr258=]GAKGTRLKEG

ClinVar aggregate classification (germline): Benign/Likely benign. Review status: criteria provided, multiple submitters, no conflicts (2 of 4 stars). 5 submissions from 5 submitters: Benign (1); Likely benign (4). Last evaluated 2025-10-27.

Conditions:
Hereditary spastic paraplegia 30. Identifiers: Orphanet 101010, MedGen C5235139, MONDO:0012476.
Neuropathy, hereditary sensory, type 2C. Also called: Hereditary sensory and autonomic neuropathy type IIC; KIF1A-Related HSAN2 (HSAN2C). Identifiers: Orphanet 970, MedGen C3280168, MONDO:0013634, OMIM 614213.
Intellectual disability, autosomal dominant 9 (NESCAVS). Also called: NESCAV SYNDROME; KIF1A-Related Neurodevelopmental Disorder. Identifiers: Orphanet 662367, MedGen C5393830, MONDO:0013656, OMIM 614255.

Allele frequency attached by ClinVar (database versions not stated): gnomAD exomes 0.00001; TOPMed 0.00006; gnomAD 0.00010 and 0.00011; ExAC 0.00011.
gnomAD v4.1: 208 of 1,582,704 alleles (0.013%); highest among the groups gnomAD compares: South Asian, 0.024%; no homozygotes.

Submissions (5):

Labcorp Genetics (formerly Invitae), Labcorp
Classification: Likely benign for Hereditary spastic paraplegia 30; Neuropathy, hereditary sensory, type 2C; Intellectual disability, autosomal dominant 9. Last evaluated: 2025-10-27. Review status: criteria provided, single submitter. Criteria: Invitae Variant Classification Sherloc (09022015). Collection method: clinical testing. Allele origin: germline.

Athena Diagnostics
Classification: Benign. Last evaluated: 2025-08-08. Review status: criteria provided, single submitter. Criteria: Athena Diagnostics Criteria. Collection method: clinical testing. Allele origin: unknown.
Comment: Computational tools yielded predictions that this variant is unlikely to have an effect on normal RNA splicing. This nucleotide position exhibits low evolutionary conservation.

Women's Health and Genetics/Laboratory Corporation of America, LabCorp
Classification: Likely benign. Last evaluated: 2025-01-06. Review status: criteria provided, single submitter. Criteria: LabCorp Variant Classification Summary - May 2015. Collection method: clinical testing. Allele origin: germline.

CeGaT Center for Human Genetics Tuebingen
Classification: Likely benign. Last evaluated: 2023-01-01. Review status: criteria provided, single submitter. Criteria: CeGaT Center For Human Genetics Tuebingen Variant Classification Criteria Version 2. Collection method: clinical testing. Allele origin: germline. Affected: yes. Observed: 1 variant allele.
Comment: KIF1A: BP4, BP7

GeneDx
Classification: Likely benign. Last evaluated: 2020-12-14. Review status: criteria provided, single submitter. Criteria: GeneDx Variant Classification Process June 2021. Collection method: clinical testing. Allele origin: germline. Affected: yes.